The following is an entry in ClinVar:

NM_019594.4(LRRC8A):c.667A>G (p.Ile223Val)

Gene: LRRC8A (leucine rich repeat containing 8 VRAC subunit A; plus strand). Cytogenetic location: 9q34.11.
Variant type: single nucleotide variant.
Coding change: c.667A>G on transcript NM_019594.4 (MANE Select); coding-DNA position 667, A replaced by G.
Protein change: p.Ile223Val; replaces isoleucine 223 with valine.
Molecular consequence: missense variant.
Genome position (GRCh38, 1-based): chr9:128,907,831, A>G. VCF-style: chr9-128907831-A-G. GRCh37 (hg19) VCF-style: chr9-131670110-A-G.
Other names: c.667A>G, p.Ile223Val (NM_001127244.2, NM_001127245.2); short protein forms I223V.
Identifiers: ClinVar variation 3647099 (VCV003647099.2).

ClinVar aggregate classification (germline): Uncertain significance (1 of 4 stars; one submission).

Submission:

Labcorp Genetics (formerly Invitae), Labcorp
Classification: Uncertain significance. Last evaluated: 2025-09-02. Review status: criteria provided, single submitter. Criteria: Invitae Variant Classification Sherloc (09022015). Collection method: clinical testing. Allele origin: germline.
Comment: This sequence change replaces isoleucine, which is neutral and non-polar, with valine, which is neutral and non-polar, at codon 223 of the LRRC8A protein (p.Ile223Val). This variant is not present in population databases (gnomAD no frequency). This variant has not been reported in the literature in individuals affected with LRRC8A-related conditions. ClinVar contains an entry for this variant (Variation ID: 3647099). An algorithm developed to predict the effect of missense changes on protein structure and function (PolyPhen-2) suggests that this variant is likely to be disruptive. In summary, the available evidence is currently insufficient to determine the role of this variant in disease. Therefore, it has been classified as a Variant of Uncertain Significance.